The following is an entry in ClinVar:

NM_182760.4(SUMF1):c.73_84del (p.Leu25_Leu28del)

Gene: SUMF1 (sulfatase modifying factor 1; minus strand). Cytogenetic location: 3p26.1.
Variant type: Deletion.
Coding change: c.73_84del on transcript NM_182760.4 (MANE Select); coding-DNA positions 73 to 84, 12 bases deleted (CTCTCGCTGCTG).
Protein change: p.Leu25_Leu28del.
Molecular consequence: inframe deletion.
Genome position (GRCh38, 1-based): chr3:4,467,162-4,467,173, CAGCAGCGAGAG deleted on the plus strand (CTCTCGCTGCTG on the coding strand, the reverse complement: SUMF1 is on the minus strand); deleting any 12 consecutive bases within chr3:4,467,162-4,467,180 gives the same sequence; the c. name uses the placement nearest the transcript's 3' end. VCF-style (leftmost placement, unchanged base first): chr3-4467161-ACAGCAGCGAGAG-A. GRCh37 (hg19) VCF-style: chr3-4508845-ACAGCAGCGAGAG-A.
Other names: c.73_84del, p.Leu25_Leu28del (NM_001164674.2, NM_001164675.2).
Identifiers: ClinVar variation 5003477 (VCV005003477.1).

ClinVar aggregate classification (germline): Uncertain significance (1 of 4 stars; one submission).

Conditions:
Multiple sulfatase deficiency (MSD). Also called: Mucosulfatidosis; Multiple Sulfatase Deficiency Disease; Sulfatidosis, Juvenile, Austin Type. Identifiers: Orphanet 585, MedGen C0268263, MONDO:0010088, OMIM 272200.

Submission:

Myriad Genetics, Inc.
Classification: Uncertain significance for Multiple sulfatase deficiency. Last evaluated: 2025-10-27. Review status: criteria provided, single submitter. Criteria: Myriad Autosomal Dominant, Autosomal Recessive and X-Linked Classification Criteria (2023). Collection method: clinical testing. Allele origin: unknown.
Comment: NM_182760.3(SUMF1):c.73_84del12(L25_L28del) is an in-frame deletion classified as a variant of uncertain significance in the context of multiple sulfatase deficiency. L25_L28del has not been observed in cases with relevant disease. Relevant functional assessments of this variant are not available in the literature. L25_L28del has been observed in referenced population frequency databases. In summary, there is insufficient evidence to classify NM_182760.3(SUMF1):c.73_84del12(L25_L28del) as pathogenic or benign. Please note: this variant was assessed in the context of healthy population screening.